The following is an entry in ClinVar:

NM_019074.4(DLL4):c.1934G>A (p.Arg645Gln)

Gene: DLL4 (delta like canonical Notch ligand 4; plus strand). Cytogenetic location: 15q15.1.
Variant type: single nucleotide variant.
Coding change: c.1934G>A on transcript NM_019074.4 (MANE Select); coding-DNA position 1934, G replaced by A.
Protein change: p.Arg645Gln; replaces arginine 645 with glutamine.
Molecular consequence: missense variant.
Genome position (GRCh38, 1-based): chr15:40,936,921, G>A. VCF-style: chr15-40936921-G-A. GRCh37 (hg19) VCF-style: chr15-41229119-G-A.
Other names: c.1934G>A (NM_019074.3); short protein forms R645Q.
Identifiers: ClinVar variation 2955575 (VCV002955575.4), dbSNP rs1201855711, ClinGen allele CA391782954.

ClinVar aggregate classification (germline): Uncertain significance. Review status: criteria provided, multiple submitters, no conflicts (2 of 4 stars). 2 submissions from 2 submitters: Uncertain significance (2). Last evaluated 2025-03-20.

Conditions:
Inborn genetic diseases. Identifiers: MedGen C0950123, MeSH D030342.

Allele frequency attached by ClinVar (database versions not stated): gnomAD exomes 0.00001; gnomAD 0.00003; TOPMed 0.00003.
gnomAD v4.1: 22 of 1,597,464 alleles (0.0014%); highest among the groups gnomAD compares: African/African-American, 0.0054%; no homozygotes.

Submissions (2):

Ambry Genetics
Classification: Uncertain significance for Inborn genetic diseases. Last evaluated: 2025-03-20. Review status: criteria provided, single submitter. Criteria: Ambry Variant Classification Scheme 2023. Collection method: clinical testing. Allele origin: germline.

Labcorp Genetics (formerly Invitae), Labcorp
Classification: Uncertain significance. Last evaluated: 2024-06-23. Review status: criteria provided, single submitter. Criteria: Invitae Variant Classification Sherloc (09022015). Collection method: clinical testing. Allele origin: germline.
Comment: This sequence change replaces arginine, which is basic and polar, with glutamine, which is neutral and polar, at codon 645 of the DLL4 protein (p.Arg645Gln). The frequency data for this variant in the population databases is considered unreliable, as metrics indicate poor data quality at this position in the gnomAD database. This variant has not been reported in the literature in individuals affected with DLL4-related conditions. Advanced modeling of protein sequence and biophysical properties (such as structural, functional, and spatial information, amino acid conservation, physicochemical variation, residue mobility, and thermodynamic stability) performed at Invitae indicates that this missense variant is not expected to disrupt DLL4 protein function with a negative predictive value of 80%. In summary, the available evidence is currently insufficient to determine the role of this variant in disease. Therefore, it has been classified as a Variant of Uncertain Significance.